The following is an entry in ClinVar:

NM_000092.5(COL4A4):c.286G>A (p.Asp96Asn)

Gene: COL4A4 (collagen type IV alpha 4 chain; minus strand). Cytogenetic location: 2q36.3.
Variant type: single nucleotide variant.
Coding change: c.286G>A on transcript NM_000092.5 (MANE Select); coding-DNA position 286, G replaced by A.
Protein change: p.Asp96Asn; replaces aspartic acid 96 with asparagine.
Molecular consequence: missense variant.
Genome position (GRCh38, 1-based): chr2:227,121,055, C>T on the plus strand (G>A on the coding strand, the complement: COL4A4 is on the minus strand). VCF-style: chr2-227121055-C-T. GRCh37 (hg19) VCF-style: chr2-227985771-C-T.
Other names: short protein forms D96N.
Identifiers: ClinVar variation 4740112 (VCV004740112.1).
Genomic context (GRCh38, chr2:227,121,055, plus strand): 5'-CACATAAGATGTGGCTTACCTTATCTCCTTTGTCCCCTGCTGCTCCAGGAGGGCCGCGGT[C>T]CCCTCTCATTCCTTTCTCTCCTGAAAGCCCAATGGGTCCTGGGGCTCCCAGGGGTCCAAT-3'
Protein context (NP_000083.3, residues 86-106): GLSGEKGMRG[Asp96Asn]RGPPGAAGDK

ClinVar aggregate classification (germline): Uncertain significance (1 of 4 stars; one submission).

gnomAD v4.1: 15 of 1,614,180 alleles (0.00093%); highest among the groups gnomAD compares: Admixed American, 0.005%; no homozygotes.

Submission:

Labcorp Genetics (formerly Invitae), Labcorp
Classification: Uncertain significance. Last evaluated: 2025-03-27. Review status: criteria provided, single submitter. Criteria: Invitae Variant Classification Sherloc (09022015). Collection method: clinical testing. Allele origin: germline.
Comment: This sequence change replaces aspartic acid, which is acidic and polar, with asparagine, which is neutral and polar, at codon 96 of the COL4A4 protein (p.Asp96Asn). This variant is present in population databases (rs772710366, gnomAD 0.006%). This variant has not been reported in the literature in individuals affected with COL4A4-related conditions. Invitae Evidence Modeling of protein sequence and biophysical properties (such as structural, functional, and spatial information, amino acid conservation, physicochemical variation, residue mobility, and thermodynamic stability) indicates that this missense variant is not expected to disrupt COL4A4 protein function with a negative predictive value of 95%. In summary, the available evidence is currently insufficient to determine the role of this variant in disease. Therefore, it has been classified as a Variant of Uncertain Significance.